The following is an entry in ClinVar:

ClinVar aggregate classification (germline): Uncertain significance (1 of 4 stars; one submission).

Conditions:
Arrhythmogenic right ventricular dysplasia 9 (ARVD9). Also called: Arrhythmogenic Right Ventricular Dysplasia/Cardiomyopathy 9; ARRHYTHMOGENIC RIGHT VENTRICULAR DYSPLASIA, FAMILIAL, 9. Identifiers: MedGen C1836906, MONDO:0012180, OMIM 609040.

gnomAD v4.1: 3 of 1,613,722 alleles (0.00019%); highest among the groups gnomAD compares: African/African-American, 0.0027%; no homozygotes.

Submission:

Labcorp Genetics (formerly Invitae), Labcorp
Classification: Uncertain significance for Arrhythmogenic right ventricular dysplasia 9. Last evaluated: 2025-05-21. Review status: criteria provided, single submitter. Criteria: Invitae Variant Classification Sherloc (09022015). Collection method: clinical testing. Allele origin: germline.
Comment: This sequence change replaces arginine, which is basic and polar, with proline, which is neutral and non-polar, at codon 196 of the PKP2 protein (p.Arg196Pro). This variant is not present in population databases (gnomAD no frequency). This variant has not been reported in the literature in individuals affected with PKP2-related conditions. An algorithm developed to predict the effect of missense changes on protein structure and function (PolyPhen-2) suggests that this variant is likely to be disruptive. In summary, the available evidence is currently insufficient to determine the role of this variant in disease. Therefore, it has been classified as a Variant of Uncertain Significance.

NM_001005242.3(PKP2):c.587G>C (p.Arg196Pro)

Gene: PKP2 (plakophilin 2; minus strand). Cytogenetic location: 12p11.21.
Variant type: single nucleotide variant.
Coding change: c.587G>C on transcript NM_001005242.3 (MANE Select); coding-DNA position 587, G replaced by C.
Protein change: p.Arg196Pro; replaces arginine 196 with proline.
Molecular consequence: missense variant.
Genome position (GRCh38, 1-based): chr12:32,878,293, C>G on the plus strand (G>C on the coding strand, the complement: PKP2 is on the minus strand). VCF-style: chr12-32878293-C-G. GRCh37 (hg19) VCF-style: chr12-33031227-C-G.
Other names: c.587G>C, p.Arg196Pro (NM_001407155.1, NM_001407156.1, NM_001407157.1 and 2 more transcripts); c.260G>C, p.Arg87Pro (NM_001407158.1, NM_001407159.1, NM_001407160.1 and 1 more transcripts); short protein forms R196P, R87P.
Identifiers: ClinVar variation 4719937 (VCV004719937.1).
Genomic context (GRCh38, chr12:32,878,293, plus strand): 5'-GTGTCAAAGTGGCGCTGCCTGCTTGTGGTGCCAGCACGGCTGACCCCCACGATCTCGGAA[C>G]GAGCATATCTCGGTGGCACTAGGAGGGCGGCCCGCCTGCTTTCTTGGTGGTGCAGGGTGT-3'
Protein context (NP_001005242.2, residues 186-206): AALLVPPRYA[Arg196Pro]SEIVGVSRAG